The following is an entry in ClinVar:

NM_012448.4(STAT5B):c.1462T>G (p.Phe488Val)

Gene: STAT5B (signal transducer and activator of transcription 5B; minus strand). Cytogenetic location: 17q21.2.
Variant type: single nucleotide variant.
Coding change: c.1462T>G on transcript NM_012448.4 (MANE Select); coding-DNA position 1462, T replaced by G.
Protein change: p.Phe488Val; replaces phenylalanine 488 with valine.
Molecular consequence: missense variant.
Genome position (GRCh38, 1-based): chr17:42,216,025, A>C on the plus strand (T>G on the coding strand, the complement: STAT5B is on the minus strand). VCF-style: chr17-42216025-A-C. GRCh37 (hg19) VCF-style: chr17-40368043-A-C.
Other names: short protein forms F488V.
Identifiers: ClinVar variation 937998 (VCV000937998.10), dbSNP rs2080168730, ClinGen allele CA399580616.

ClinVar aggregate classification (germline): Uncertain significance (1 of 4 stars; one submission).

Conditions:
Growth hormone insensitivity with immune dysregulation 1, autosomal recessive. Also called: Laron syndrome with immunodeficiency; GROWTH HORMONE INSENSITIVITY SYNDROME WITH IMMUNE DYSREGULATION 1, AUTOSOMAL RECESSIVE; GROWTH HORMONE INSENSITIVITY DUE TO POSTRECEPTOR DEFECT; LARON SYNDROME DUE TO POSTRECEPTOR DEFECT. Identifiers: Orphanet 220465, MedGen C5435698, MONDO:0100211, OMIM 245590.

Submission:

Labcorp Genetics (formerly Invitae), Labcorp
Classification: Uncertain significance for Growth hormone insensitivity with immune dysregulation 1, autosomal recessive. Last evaluated: 2019-10-14. Review status: criteria provided, single submitter. Criteria: Invitae Variant Classification Sherloc (09022015). Collection method: clinical testing. Allele origin: germline.
Comment: This variant is not present in population databases (ExAC no frequency). This sequence change replaces phenylalanine with valine at codon 488 of the STAT5B protein (p.Phe488Val). The phenylalanine residue is highly conserved and there is a small physicochemical difference between phenylalanine and valine. In summary, the available evidence is currently insufficient to determine the role of this variant in disease. Therefore, it has been classified as a Variant of Uncertain Significance. Algorithms developed to predict the effect of missense changes on protein structure and function are either unavailable or do not agree on the potential impact of this missense change (SIFT: "Deleterious"; PolyPhen-2: "Benign"; Align-GVGD: "Class C45"). This variant has not been reported in the literature in individuals with STAT5B-related conditions.